The following is an entry in ClinVar:

ClinVar aggregate classification (germline): Uncertain significance (1 of 4 stars; one submission).

Submission:

GeneDx
Classification: Uncertain significance. Last evaluated: 2019-07-10. Review status: criteria provided, single submitter. Criteria: GeneDx Variant Classification Process June 2021. Collection method: clinical testing. Allele origin: germline. Affected: yes.
Comment: Not observed in large population cohorts (Lek et al., 2016); In silico analysis, which includes protein predictors and evolutionary conservation, supports a deleterious effect; Has not been previously published as pathogenic or benign to our knowledge

NM_024408.4(NOTCH2):c.5894A>G (p.Asn1965Ser)

Gene: NOTCH2 (notch receptor 2; minus strand). Cytogenetic location: 1p12.
Variant type: single nucleotide variant.
Coding change: c.5894A>G on transcript NM_024408.4 (MANE Select); coding-DNA position 5894, A replaced by G.
Protein change: p.Asn1965Ser; replaces asparagine 1965 with serine.
Molecular consequence: missense variant.
Genome position (GRCh38, 1-based): chr1:119,918,441, T>C on the plus strand (A>G on the coding strand, the complement: NOTCH2 is on the minus strand). VCF-style: chr1-119918441-T-C. GRCh37 (hg19) VCF-style: chr1-120461064-T-C.
Other names: short protein forms N1965S.
Identifiers: ClinVar variation 1302276 (VCV001302276.2), dbSNP rs2101148035, ClinGen allele CA341882473.